The following is an entry in ClinVar:

ClinVar aggregate classification (germline): Likely pathogenic (1 of 4 stars; one submission).

Conditions:
Familial intrahepatic cholestasis. Identifiers: Orphanet 284385, MedGen CN296401, MONDO:0017290.

Submission:

Genomenon, Inc
Classification: Likely pathogenic for Familial intrahepatic cholestasis. Last evaluated: 2026-04-14. Review status: criteria provided, single submitter. Criteria: Genomenon Sequence Variant Interpretation Standards - Updated. Collection method: curation. Allele origin: germline. Affected: yes.
Comment: ABCB11 p.Gly374Ser (c.1120G>A) is a missense variant that changes the amino acid at residue 374 from Glycine to Serine. This variant has been observed in at least one proband with an ABCB11-related disorder (PMID:23758865). The variant was found to segregate with disease in at least one affected family (PMID:23758865). At least one functional study has demonstrated a substantial alteration in protein function relative to the wild-type (PMID:23758865). It is absent or not present at a significant frequency in gnomAD. In silico models predict that this variant is possibly or probably damaging. In conclusion, we classify ABCB11 p.Gly374Ser (c.1120G>A) as a likely pathogenic variant.

Literature cited by the submitters: PubMed 23758865.

NM_003742.4(ABCB11):c.1120G>A (p.Gly374Ser)

Gene: ABCB11 (ATP binding cassette subfamily B member 11; minus strand). Cytogenetic location: 2q31.1.
Variant type: single nucleotide variant.
Coding change: c.1120G>A on transcript NM_003742.4 (MANE Select); coding-DNA position 1120, G replaced by A.
Protein change: p.Gly374Ser; replaces glycine 374 with serine.
Molecular consequence: missense variant.
Genome position (GRCh38, 1-based): chr2:168,979,943, C>T on the plus strand (G>A on the coding strand, the complement: ABCB11 is on the minus strand). VCF-style: chr2-168979943-C-T. GRCh37 (hg19) VCF-style: chr2-169836453-C-T.
Other names: short protein forms G374S.
Identifiers: ClinVar variation 4846022 (VCV004846022.1).